The following is an entry in ClinVar:

ClinVar aggregate classification (germline): Uncertain significance (1 of 4 stars; one submission).

gnomAD v4.1: 14 of 1,604,664 alleles (0.00087%); highest among the groups gnomAD compares: Non-Finnish European, 0.0012%; no homozygotes.

Submission:

GeneDx
Classification: Uncertain significance. Last evaluated: 2025-05-12. Review status: criteria provided, single submitter. Criteria: GeneDx Variant Classification Process June 2021. Collection method: clinical testing. Allele origin: germline. Affected: yes.
Comment: Not observed at significant frequency in large population cohorts (gnomAD); In silico analysis suggests that this variant does not alter splicing; Has not been previously published as pathogenic or benign to our knowledge

NM_003193.5(TBCE):c.561-3C>T

Gene: TBCE (tubulin folding cofactor E; plus strand). Cytogenetic location: 1q42.3.
Variant type: single nucleotide variant.
Coding change: c.561-3C>T on transcript NM_003193.5 (MANE Select); 3 bases into the intron before coding-DNA position 561, C replaced by T.
Molecular consequence: intron variant.
Genome position (GRCh38, 1-based): chr1:235,430,702, C>T. VCF-style: chr1-235430702-C-T. GRCh37 (hg19) VCF-style: chr1-235594017-C-T.
Other names: c.561-3C>T (NM_001079515.3, NM_001287801.2); c.222-3C>T (NM_001287802.2).
Identifiers: ClinVar variation 4529767 (VCV004529767.1).
Genomic context (GRCh38, chr1:235,430,702, plus strand): 5'-CAACTATTTCAGTTGGGTTTACTGTATAGAAATAAGTACATTGTATCTTTTTTTTCTACA[C>T]AGTGAAAATAAACTAAAATTTCCCTCCGGTTCAGTATTAACTGGAACGCTTTCTGTACTG-3'